The following is an entry in ClinVar:

NC_000016.10:g.2047954G>C

Gene: TSC2 (TSC complex subunit 2; plus strand). Cytogenetic location: 16p13.3.
Variant type: single nucleotide variant.
Genome position: GRCh38 VCF-style: chr16-2047954-G-C. GRCh37 (hg19) VCF-style: chr16-2097955-G-C.
Identifiers: ClinVar variation 2645966 (VCV002645966.22), dbSNP rs577046175, ClinGen allele CA276766944.

ClinVar aggregate classification (germline): Benign (1 of 4 stars; one submission).

Allele frequency attached by ClinVar (database versions not stated): 1000 Genomes Project 0.00060; 1000 Genomes Project 30x 0.00062.

Submission:

CeGaT Center for Human Genetics Tuebingen
Classification: Benign. Last evaluated: 2022-10-01. Review status: criteria provided, single submitter. Criteria: CeGaT Center For Human Genetics Tuebingen Variant Classification Criteria Version 2. Collection method: clinical testing. Allele origin: germline. Affected: yes. Observed: 4 variant alleles.
Comment: TSC2: BS1, BS2